The following is an entry in ClinVar:

ClinVar aggregate classification (germline): Pathogenic. Review status: criteria provided, multiple submitters, no conflicts (2 of 4 stars). 5 submissions from 5 submitters: Pathogenic (5). Last evaluated 2026-02-03.

Conditions:
Inborn genetic diseases. Identifiers: MedGen C0950123, MeSH D030342.
Spastic paraplegia. Identifiers: MedGen C0037772, HP:0001258.
MASA syndrome. Also called: SPASTIC PARAPLEGIA 1, X-LINKED; ADDUCTED THUMB WITH MENTAL RETARDATION; CLASPED THUMB AND MENTAL RETARDATION; GAREIS-MASON SYNDROME; MENTAL RETARDATION, APHASIA, SHUFFLING GAIT, AND ADDUCTED THUMBS; MASA (Mental Retardation, Adducted Thumbs, Shuffling Gait, Aphasia) Syndrome, Including SPG1 (X-Linked Complicated Hereditary Spastic Paraplegia Type 1). Identifiers: Orphanet 2466, MedGen C0795953, MONDO:0010559, OMIM 303350.
X-linked complicated corpus callosum dysgenesis. Also called: X-Linked Complicated Corpus Callosum Agenesis. Identifiers: Orphanet 1497, MedGen C1839909, MONDO:0010569, OMIM 304100.

Allele frequency attached by ClinVar (database versions not stated): gnomAD exomes below 0.00001.

Submissions (5):

Institute of Human Genetics, University of Leipzig Medical Center
Classification: Pathogenic for X-linked complicated corpus callosum dysgenesis. Last evaluated: 2026-02-03. Review status: criteria provided, single submitter. Criteria: ACMG Guidelines, 2015. Collection method: clinical testing. Allele origin: unknown. Inheritance: X-linked recessive inheritance. Affected: yes.
Comment: Criteria applied: PVS1,PS4_MOD,PM2

Ambry Genetics
Classification: Pathogenic for Inborn genetic diseases. Last evaluated: 2025-02-18. Review status: criteria provided, single submitter. Criteria: Ambry Variant Classification Scheme 2023. Collection method: clinical testing. Allele origin: germline.
Comment: The c.1672C>T (p.R558*) alteration, located in exon 13 (coding exon 13) of the L1CAM gene, consists of a C to T substitution at nucleotide position 1672. This changes the amino acid from an arginine (R) to a stop codon at amino acid position 558. This alteration is expected to result in loss of function by premature protein truncation or nonsense-mediated mRNA decay. This variant was not reported in population-based cohorts in the Genome Aggregation Database (gnomAD). This variant was reported in individual(s) with features consistent with CRASH syndrome; in at least one individual, it was determined to be de novo (Finckh, 2000; Jackson, 2009; Accogli, 2021; Ahmed, 2023). Based on the available evidence, this alteration is classified as pathogenic.

Dasa
Classification: Pathogenic for MASA syndrome. Last evaluated: 2022-11-03. Review status: criteria provided, single submitter. Criteria: ACMG Guidelines, 2015. Collection method: clinical testing. Allele origin: germline. Affected: yes. Observed: 1 variant allele.
Comment: The c.1672C>T;p.(Arg558*) variant creates a premature translational stop signal in the L1CAM gene. It is expected to result in an absent or disrupted protein product - PVS1. This sequence change has been observed in affected individual(s) and ClinVar contains an entry for this variant (ClinVar ID: 488700; PMID: 19641926; 9300653; 10797421; 9195224) - PS4. This variant is not present in population databases (rs1557091773, gnomAD; ABraOM no frequency) - PM2. In summary, the currently available evidence indicates that the variant is pathogenic.

GeneDx
Classification: Pathogenic. Last evaluated: 2021-06-09. Review status: criteria provided, single submitter. Criteria: GeneDx Variant Classification Process June 2021. Collection method: clinical testing. Allele origin: germline. Affected: yes.
Comment: Nonsense variant predicted to result in protein truncation or nonsense mediated decay in a gene for which loss-of-function is a known mechanism of disease; Not observed in large population cohorts (Lek et al., 2016); This variant is associated with the following publications: (PMID: 10797421, 25525159, 19641926, 9195224, 27535533)

Labcorp Genetics (formerly Invitae), Labcorp
Classification: Pathogenic for Spastic paraplegia. Last evaluated: 2019-12-27. Review status: criteria provided, single submitter. Criteria: Invitae Variant Classification Sherloc (09022015). Collection method: clinical testing. Allele origin: germline.
Comment: For these reasons, this variant has been classified as Pathogenic. Loss-of-function variants in L1CAM are known to be pathogenic (PMID: 19846429). This variant has been observed in individuals affected with L1CAM-related conditions (PMID: 9195224, 19641926, 10797421). ClinVar contains an entry for this variant (Variation ID: 488700). This variant is not present in population databases (ExAC no frequency). This sequence change creates a premature translational stop signal (p.Arg558*) in the L1CAM gene. It is expected to result in an absent or disrupted protein product.

Literature cited by the submitters: PubMed 10797421 (cited by 3 submitters); PubMed 19641926 (cited by 3 submitters); PubMed 34510796 (cited by Ambry Genetics); PubMed 37766829 (cited by Ambry Genetics); PubMed 9300653 (cited by Dasa); PubMed 9195224 (cited by Dasa and Labcorp Genetics (formerly Invitae), Labcorp); PubMed 19846429 (cited by Labcorp Genetics (formerly Invitae), Labcorp).

NM_001278116.2(L1CAM):c.1672C>T (p.Arg558Ter)

Gene: L1CAM (L1 cell adhesion molecule; minus strand). Cytogenetic location: Xq28.
Variant type: single nucleotide variant.
Coding change: c.1672C>T on transcript NM_001278116.2 (MANE Select); coding-DNA position 1672, C replaced by T.
Protein change: p.Arg558Ter; replaces arginine 558 with a stop codon.
Molecular consequence: nonsense.
Genome position (GRCh38, 1-based): chrX:153,868,333, G>A on the plus strand (C>T on the coding strand, the complement: L1CAM is on the minus strand). VCF-style: chrX-153868333-G-A. GRCh37 (hg19) VCF-style: chrX-153133788-G-A.
Other names: c.1672C>T, p.Arg558Ter (NM_000425.5, NM_024003.3); c.1657C>T, p.Arg553Ter (NM_001143963.2); short protein forms R558*, R553*.
Identifiers: ClinVar variation 488700 (VCV000488700.16), dbSNP rs1557091773, ClinGen allele CA415124597.
Genomic context (GRCh38, chrX:153,868,333, plus strand): 5'-CTGCCCCCTTTCACCGTCACTGTCCTCACTTGTCACTGTCCCCAAGCTCCTGGAGGTCTC[G>A]ACCGTCCCCACGCCAGGTGATGCTGGGCTGCAAGGAGGGGTCAAAGGAGGCCTGGCACGT-3'